The following is an entry in ClinVar:

ClinVar aggregate classification (germline): Benign. Review status: criteria provided, multiple submitters, no conflicts (2 of 4 stars). 3 submissions from 3 submitters: Benign (2). 1 of the submissions does not count toward it. Last evaluated 2025-10-12.

Conditions:
KMT2D-related disorder. Also called: KMT2D-Related Disorders.
Kabuki syndrome. Also called: Kabuki make-up syndrome; NIIKAWA-KUROKI SYNDROME. Identifiers: Orphanet 2322, MedGen C0796004, MONDO:0016512.

Allele frequency attached by ClinVar (database versions not stated): gnomAD 0.00001; gnomAD exomes 0.00003 and 0.00016; TOPMed 0.00006; ExAC 0.00015.

Submissions (3):

Labcorp Genetics (formerly Invitae), Labcorp
Classification: Benign for Kabuki syndrome. Last evaluated: 2025-10-12. Review status: criteria provided, single submitter. Criteria: Invitae Variant Classification Sherloc (09022015). Collection method: clinical testing. Allele origin: germline.

GeneDx
Classification: Benign. Last evaluated: 2019-01-16. Review status: criteria provided, single submitter. Criteria: GeneDx Variant Classification Process June 2021. Collection method: clinical testing. Allele origin: germline. Affected: yes.

PreventionGenetics, part of Exact Sciences
Classification: Likely benign for KMT2D-related condition. Last evaluated: 2024-03-20. Review status: no assertion criteria provided. Collection method: clinical testing. Allele origin: germline. Not counted in ClinVar's aggregate classification.
Comment: This variant is classified as likely benign based on ACMG/AMP sequence variant interpretation guidelines (Richards et al. 2015 PMID: 25741868, with internal and published modifications).

NM_003482.4(KMT2D):c.10909C>A (p.Pro3637Thr)

Gene: KMT2D (lysine methyltransferase 2D; minus strand). Cytogenetic location: 12q13.12.
Variant type: single nucleotide variant.
Coding change: c.10909C>A on transcript NM_003482.4 (MANE Select); coding-DNA position 10909, C replaced by A.
Protein change: p.Pro3637Thr; replaces proline 3637 with threonine.
Molecular consequence: missense variant.
Genome position (GRCh38, 1-based): chr12:49,033,796, G>T on the plus strand (C>A on the coding strand, the complement: KMT2D is on the minus strand). VCF-style: chr12-49033796-G-T. GRCh37 (hg19) VCF-style: chr12-49427579-G-T.
Other names: short protein forms P3637T.
Identifiers: ClinVar variation 1274973 (VCV001274973.10), dbSNP rs775182190, ClinGen allele CA6546405.